The following is an entry in ClinVar:

ClinVar aggregate classification (germline): Conflicting classifications of pathogenicity. Review status: criteria provided, conflicting classifications (1 of 4 stars). 3 submissions from 3 submitters: Uncertain significance (1); Likely benign (2). Last evaluated 2026-01-25.

Conditions:
Hereditary cancer-predisposing syndrome. Also called: Hereditary Cancer Syndrome; Neoplastic Syndromes, Hereditary; Tumor predisposition; Hereditary neoplastic syndrome. Identifiers: Orphanet 140162, MedGen C0027672, MeSH D009386, MONDO:0015356.
Neurofibromatosis, type 1 (NF1). Also called: NEUROFIBROMATOSIS, TYPE I, SOMATIC; VON RECKLINGHAUSEN DISEASE; Peripheral type neurofibromatosis; Neurofibromatosis, type I. Identifiers: Orphanet 636, MedGen C0027831, MONDO:0018975, OMIM 162200. Disease mechanism: loss of function.

Allele frequency attached by ClinVar (database versions not stated): gnomAD exomes 0.00001 and 0.00002; ExAC 0.00002; ESP Exome Variant Server 0.00008; gnomAD 0.00009 and 0.00011; TOPMed 0.00013.
gnomAD v4.1: 24 of 1,614,036 alleles (0.0015%); highest among the groups gnomAD compares: African/African-American, 0.031%; no homozygotes.

Submissions (3):

Labcorp Genetics (formerly Invitae), Labcorp
Classification: Likely benign for Neurofibromatosis, type 1. Last evaluated: 2026-01-25. Review status: criteria provided, single submitter. Criteria: Invitae Variant Classification Sherloc (09022015). Collection method: clinical testing. Allele origin: germline.

Sema4
Classification: Uncertain significance for Hereditary cancer-predisposing syndrome. Last evaluated: 2022-02-02. Review status: criteria provided, single submitter. Criteria: Sema4 Curation Guidelines. Collection method: curation. Allele origin: germline.
Comment: The NF1 c.3621A>G (p.R1207=) variant has been reported in heterozygosity in at least 1 individual with advanced cancer (PMID: 28873162). This variant was observed in 7/24966 chromosomes in the African/African American population, according to the Genome Aggregation Database (PMID: 32461654). This variant has been reported in ClinVar (Variation ID: 187649). In silico tools suggest that the variant may create or strengthen a cryptic splice site, though these predictions have not been confirmed by functional studies. The evidence is insufficient to meet ACMG/AMP criteria for classifying the variant as benign or pathogenic. Thus, the clinical significance of this variant is currently uncertain.

Ambry Genetics
Classification: Likely benign for Hereditary cancer-predisposing syndrome. Last evaluated: 2014-12-15. Review status: criteria provided, single submitter. Criteria: Ambry Autosomal Dominant and X-Linked criteria (10/2015). Collection method: clinical testing. Allele origin: germline. Observed: 1 variant allele.

Literature cited by the submitters: PubMed 28873162 (cited by Sema4).

NM_001042492.3(NF1):c.3621A>G (p.Arg1207=)

Gene: NF1 (neurofibromin 1; plus strand). Cytogenetic location: 17q11.2.
Variant type: single nucleotide variant.
Coding change: c.3621A>G on transcript NM_001042492.3 (MANE Select); coding-DNA position 3621, A replaced by G.
Protein change: p.Arg1207=; no amino-acid change (arginine 1207 retained).
Molecular consequence: synonymous variant.
Genome position (GRCh38, 1-based): chr17:31,233,126, A>G. VCF-style: chr17-31233126-A-G. GRCh37 (hg19) VCF-style: chr17-29560144-A-G.
Other names: c.3621A>G, p.Arg1207= (NM_000267.4).
Identifiers: ClinVar variation 187649 (VCV000187649.14), dbSNP rs141390152, ClinGen allele CA198186.
Genomic context (GRCh38, chr17:31,233,126, plus strand): 5'-TCAACAAGGCACAGAATTTGACACACTTGCAGAAACAGTATTGGCTGATCGGTTTGAGAG[A>G]TTGGTGGAACTGGTCACAATGATGGGTGATCAAGGAGAACTCCCTATAGCGATGGCTCTG-3'
Protein context (NP_001035957.1, residues 1197-1217): AETVLADRFE[Arg1207=]LVELVTMMGD